The following is an entry in ClinVar:

ClinVar aggregate classification (germline): Uncertain significance (1 of 4 stars; one submission).

Conditions:
Developmental and epileptic encephalopathy, 19 (DEE19). Also called: Epileptic encephalopathy, early infantile, 19. Identifiers: Orphanet 33069, MedGen C3810400, MONDO:0014328, OMIM 615744.

Submission:

Institute of Human Genetics, University of Leipzig Medical Center
Classification: Uncertain significance for Developmental and epileptic encephalopathy, 19. Last evaluated: 2025-03-04. Review status: criteria provided, single submitter. Criteria: ACMG Guidelines, 2015. Collection method: clinical testing. Allele origin: unknown. Inheritance: Autosomal dominant inheritance. Affected: yes.
Comment: Criteria applied: PM2,PP2,PP3

NM_001127644.2(GABRA1):c.955G>C (p.Val319Leu)

Gene: GABRA1 (gamma-aminobutyric acid type A receptor subunit alpha1; plus strand). Cytogenetic location: 5q34.
Variant type: single nucleotide variant.
Coding change: c.955G>C on transcript NM_001127644.2 (MANE Select); coding-DNA position 955, G replaced by C.
Protein change: p.Val319Leu; replaces valine 319 with leucine.
Molecular consequence: missense variant.
Genome position (GRCh38, 1-based): chr5:161,895,764, G>C. VCF-style: chr5-161895764-G-C. GRCh37 (hg19) VCF-style: chr5-161322770-G-C.
Other names: c.955G>C, p.Val319Leu (NM_000806.5, NM_001127643.2, NM_001127645.2 and 1 more transcripts); short protein forms V319L.
Identifiers: ClinVar variation 3773657 (VCV003773657.2).